The following is an entry in ClinVar:

ClinVar aggregate classification (germline): Uncertain significance (1 of 4 stars; one submission).

Conditions:
Hereditary sensory neuropathy-deafness-dementia syndrome. Also called: HSN IE; Hereditary sensory neuropathy type IE; NEUROPATHY, HEREDITARY SENSORY, WITH HEARING LOSS AND DEMENTIA; Hereditary Sensory and Autonomic Neuropathy Type 1E (HSAN1E). Identifiers: Orphanet 456318, MedGen C3279885, MONDO:0013584, OMIM 614116.

Submission:

Labcorp Genetics (formerly Invitae), Labcorp
Classification: Uncertain significance for Hereditary sensory neuropathy-deafness-dementia syndrome. Last evaluated: 2022-02-28. Review status: criteria provided, single submitter. Criteria: Invitae Variant Classification Sherloc (09022015). Collection method: clinical testing. Allele origin: germline.
Comment: This variant results in a copy number gain of the genomic region encompassing exon(s) 40-41 of the DNMT1 gene. This region includes the termination codon of the gene. This copy number gain extends beyond the assayed region for this gene and therefore may encompass additional genes. As the precise location of this event is unknown, it may be in tandem or it may be located elsewhere in the genome. This variant has not been reported in the literature in individuals affected with DNMT1-related conditions. Experimental studies and prediction algorithms are not available or were not evaluated, and the functional significance of this variant is currently unknown. In summary, the available evidence is currently insufficient to determine the role of this variant in disease. Therefore, it has been classified as a Variant of Uncertain Significance.

NC_000019.9:g.(?_10244343)_(10245003_?)dup

Gene: DNMT1 (DNA methyltransferase 1; minus strand). Cytogenetic location: 19p13.2.
Variant type: Duplication.
Identifiers: ClinVar variation 2423794 (VCV002423794.3).